The following is an entry in ClinVar:

NM_139137.4(KCNC2):c.1418T>C (p.Val473Ala)

Gene: KCNC2 (potassium voltage-gated channel subfamily C member 2; minus strand). Cytogenetic location: 12q21.1.
Variant type: single nucleotide variant.
Coding change: c.1418T>C on transcript NM_139137.4 (MANE Select); coding-DNA position 1418, T replaced by C.
Protein change: p.Val473Ala; replaces valine 473 with alanine.
Molecular consequence: missense variant. On other transcripts: non-coding transcript variant (1).
Genome position (GRCh38, 1-based): chr12:75,050,587, A>G on the plus strand (T>C on the coding strand, the complement: KCNC2 is on the minus strand). VCF-style: chr12-75050587-A-G. GRCh37 (hg19) VCF-style: chr12-75444367-A-G.
Other names: c.1418T>C, p.Val473Ala (NM_001260497.2, NM_001260498.2, NM_001260499.2 and 13 more transcripts); short protein forms V473A.
Identifiers: ClinVar variation 2662494 (VCV002662494.1), dbSNP rs1881066035, ClinGen allele CA385925158.

ClinVar aggregate classification (germline): Likely pathogenic (1 of 4 stars; one submission).

Submission:

GeneDx
Classification: Likely pathogenic. Last evaluated: 2023-04-03. Review status: criteria provided, single submitter. Criteria: GeneDx Variant Classification Process June 2021. Collection method: clinical testing. Allele origin: germline. Affected: yes.
Comment: Not observed at significant frequency in large population cohorts (gnomAD); In silico analysis supports that this missense variant has a deleterious effect on protein structure/function; This variant is associated with the following publications: (PMID: 35366058)